The following is an entry in ClinVar:

ClinVar aggregate classification (germline): Benign/Likely benign. Review status: criteria provided, multiple submitters, no conflicts (2 of 4 stars). 6 submissions from 6 submitters: Benign (1); Likely benign (4). 1 of the submissions does not count toward it. Last evaluated 2025-12-09.

Conditions:
RASA2-related disorder. Also called: RASA2-related condition.

Allele frequency attached by ClinVar (database versions not stated): gnomAD exomes 0.00013 and 0.00030; 1000 Genomes Project 30x 0.00016; gnomAD 0.00017 and 0.00019; 1000 Genomes Project 0.00020; ExAC 0.00020; TOPMed 0.00031.
gnomAD v4.1: 222 of 1,608,862 alleles (0.014%); highest among the groups gnomAD compares: Admixed American, 0.098%; no homozygotes.

Submissions (6):

Labcorp Genetics (formerly Invitae), Labcorp
Classification: Likely benign. Last evaluated: 2025-12-09. Review status: criteria provided, single submitter. Criteria: Invitae Variant Classification Sherloc (09022015). Collection method: clinical testing. Allele origin: germline.

Blueprint Genetics
Classification: Likely benign. Last evaluated: 2024-06-27. Review status: criteria provided, single submitter. Criteria: ACMG Guidelines, 2015. Collection method: clinical testing. Allele origin: germline.

GeneDx
Classification: Likely benign. Last evaluated: 2020-08-23. Review status: criteria provided, single submitter. Criteria: GeneDx Variant Classification Process June 2021. Collection method: clinical testing. Allele origin: germline. Affected: yes.

Women's Health and Genetics/Laboratory Corporation of America, LabCorp
Classification: Benign. Last evaluated: 2019-09-01. Review status: criteria provided, single submitter. Criteria: LabCorp Variant Classification Summary - May 2015. Collection method: clinical testing. Allele origin: germline.
Comment: Variant summary: RASA2 c.528-4T>G alters a non-conserved nucleotide located close to a canonical splice site and therefore could affect mRNA splicing, leading to a significantly altered protein sequence. 4/4 computational tools predict no significant impact on normal splicing. However, these predictions have yet to be confirmed by functional studies. The variant allele was found at a frequency of 0.0003 in 246706 control chromosomes. The observed variant frequency is approximately 59 fold of the estimated maximal expected allele frequency for a pathogenic variant in RASA2 causing Noonan Syndrome and Related Conditions phenotype (5e-06), strongly suggesting that the variant is benign. To our knowledge, no occurrence of c.528-4T>G in individuals affected with Noonan Syndrome and Related Conditions and no experimental evidence demonstrating its impact on protein function have been reported. No clinical diagnostic laboratories have submitted clinical-significance assessments for this variant to ClinVar after 2014. Based on the evidence outlined above, the variant was classified as benign.

Breakthrough Genomics
Classification: Likely benign. Review status: criteria provided, single submitter. Criteria: ACMG Guidelines, 2015. Collection method: not provided. Allele origin: germline. Inheritance: Unknown mechanism. Affected: yes.

PreventionGenetics, part of Exact Sciences
Classification: Likely benign for RASA2-related condition. Last evaluated: 2020-11-16. Review status: no assertion criteria provided. Collection method: clinical testing. Allele origin: germline. Not counted in ClinVar's aggregate classification.
Comment: This variant is classified as likely benign based on ACMG/AMP sequence variant interpretation guidelines (Richards et al. 2015 PMID: 25741868, with internal and published modifications).

NM_006506.5(RASA2):c.528-4T>G

Gene: RASA2 (RAS p21 protein activator 2; plus strand). Cytogenetic location: 3q23.
Variant type: single nucleotide variant.
Coding change: c.528-4T>G on transcript NM_006506.5 (MANE Select); 4 bases into the intron before coding-DNA position 528, T replaced by G.
Molecular consequence: intron variant.
Genome position (GRCh38, 1-based): chr3:141,553,853, T>G. VCF-style: chr3-141553853-T-G. GRCh37 (hg19) VCF-style: chr3-141272695-T-G.
Other names: c.528-4T>G (NM_001303246.1, NM_001303245.3, NM_001303246.3).
Identifiers: ClinVar variation 707625 (VCV000707625.15), dbSNP rs201832322, ClinGen allele CA2645235.
Genomic context (GRCh38, chr3:141,553,853, plus strand): 5'-AAGATAATGTTTTATCTTGTTTAACTGGAATCTAATATGTTAAATCTCTTTTATTCTACC[T>G]TAGCATCAAGGCATGCCATGGGTTGCCTCTCATAAATGGCCAAAGCTGTGACCCTTATGC-3'